The following is an entry in ClinVar:

ClinVar aggregate classification (germline): Uncertain significance (1 of 4 stars; one submission).

Conditions:
Combined oxidative phosphorylation defect type 20. Also called: Combined oxidative phosphorylation deficiency 20. Identifiers: Orphanet 420728, MedGen C4014660, MONDO:0014397, OMIM 615917.

Submission:

3billion
Classification: Uncertain significance for Combined oxidative phosphorylation defect type 20. Last evaluated: 2022-01-03. Review status: criteria provided, single submitter. Criteria: ACMG Guidelines, 2015. Collection method: clinical testing. Allele origin: germline. Affected: yes. Observed: 1 heterozygote.
Comment: The variant not observed in the gnomAD v2.1.1 dataset (PM2_M). Therefore, this variant is classified as uncertain significance according to the recommendation of ACMG/AMP guideline.

NM_020442.6(VARS2):c.1166-15G>T

Gene: VARS2 (valyl-tRNA synthetase 2, mitochondrial; plus strand). Cytogenetic location: 6p21.33.
Variant type: single nucleotide variant.
Coding change: c.1166-15G>T on transcript NM_020442.6 (MANE Select); 15 bases into the intron before coding-DNA position 1166, G replaced by T.
Molecular consequence: intron variant.
Genome position (GRCh38, 1-based): chr6:30,920,074, G>T. VCF-style: chr6-30920074-G-T. GRCh37 (hg19) VCF-style: chr6-30887851-G-T.
Other names: c.1256-15G>T (NM_001167734.2); c.746-15G>T (NM_001167733.3).
Identifiers: ClinVar variation 1333423 (VCV001333423.1), dbSNP rs2150559040, ClinGen allele CA2573052654.